The following is an entry in ClinVar:

ClinVar aggregate classification (germline): Uncertain significance (1 of 4 stars; one submission).

Conditions:
Inborn genetic diseases. Identifiers: MedGen C0950123, MeSH D030342.

gnomAD v4.1: 1 of 1,614,050 alleles (0.000062%); highest among the groups gnomAD compares: South Asian, 0.0011%; no homozygotes.

Submission:

Ambry Genetics
Classification: Uncertain significance for Inborn genetic diseases. Last evaluated: 2024-11-28. Review status: criteria provided, single submitter. Criteria: Ambry Variant Classification Scheme 2023. Collection method: clinical testing. Allele origin: germline.
Comment: The p.E320Q variant (also known as c.958G>C), located in coding exon 6 of the MECOM gene, results from a G to C substitution at nucleotide position 958. The glutamic acid at codon 320 is replaced by glutamine, an amino acid with highly similar properties. This amino acid position is conserved. In addition, the in silico prediction for this alteration is inconclusive. Based on the available evidence, the clinical significance of this variant remains unclear.

NM_004991.4(MECOM):c.958G>C (p.Glu320Gln)

Gene: MECOM (MDS1 and EVI1 complex locus; minus strand). Cytogenetic location: 3q26.2.
Variant type: single nucleotide variant.
Coding change: c.958G>C on transcript NM_004991.4 (MANE Select); coding-DNA position 958, G replaced by C.
Protein change: p.Glu320Gln; replaces glutamic acid 320 with glutamine.
Molecular consequence: missense variant.
Genome position (GRCh38, 1-based): chr3:169,122,600, C>G on the plus strand (G>C on the coding strand, the complement: MECOM is on the minus strand). VCF-style: chr3-169122600-C-G. GRCh37 (hg19) VCF-style: chr3-168840388-C-G.
Other names: c.586G>C, p.Glu196Gln (NM_001105077.4); c.394G>C, p.Glu132Gln (NM_001105078.4, NM_001163999.2, NM_001164000.2 and 9 more transcripts); c.958G>C, p.Glu320Gln (NM_001366466.2, NM_001366473.2); short protein forms E196Q, E320Q, E132Q.
Identifiers: ClinVar variation 3394349 (VCV003394349.1).